The following is an entry in ClinVar:

NM_002473.6(MYH9):c.4545T>G (p.Asp1515Glu)

Gene: MYH9 (myosin heavy chain 9; minus strand). Cytogenetic location: 22q12.3.
Variant type: single nucleotide variant.
Coding change: c.4545T>G on transcript NM_002473.6 (MANE Select); coding-DNA position 4545, T replaced by G.
Protein change: p.Asp1515Glu; replaces aspartic acid 1515 with glutamic acid.
Molecular consequence: missense variant.
Genome position (GRCh38, 1-based): chr22:36,289,097, A>C on the plus strand (T>G on the coding strand, the complement: MYH9 is on the minus strand). VCF-style: chr22-36289097-A-C. GRCh37 (hg19) VCF-style: chr22-36685143-A-C.
Other names: short protein forms D1515E.
Identifiers: ClinVar variation 4746156 (VCV004746156.1).
Genomic context (GRCh38, chr22:36,289,097, plus strand): 5'-CCCCACTCGGGCCCTTCCCAAGACCTGGCTGCCAGGCCCAGGACTCACACTCTTGCCCAC[A>C]TCATCCTTGGAGCTCATAAGGTCCTCCATCTCCGTGCGGAACTGCTTGTTGAGCCGCTCC-3'
Protein context (NP_002464.1, residues 1505-1525): EMEDLMSSKD[Asp1515Glu]VGKSVHELEK

ClinVar aggregate classification (germline): Uncertain significance (1 of 4 stars; one submission).

Submission:

Labcorp Genetics (formerly Invitae), Labcorp
Classification: Uncertain significance. Last evaluated: 2025-12-16. Review status: criteria provided, single submitter. Criteria: Invitae Variant Classification Sherloc (09022015). Collection method: clinical testing. Allele origin: germline.
Comment: This sequence change replaces aspartic acid, which is acidic and polar, with glutamic acid, which is acidic and polar, at codon 1515 of the MYH9 protein (p.Asp1515Glu). This variant is not present in population databases (gnomAD no frequency). This variant has not been reported in the literature in individuals affected with MYH9-related conditions. Invitae Evidence Modeling of protein sequence and biophysical properties (such as structural, functional, and spatial information, amino acid conservation, physicochemical variation, residue mobility, and thermodynamic stability) indicates that this missense variant is not expected to disrupt MYH9 protein function with a negative predictive value of 95%. Algorithms developed to predict the effect of sequence changes on RNA splicing suggest that this variant may disrupt the consensus splice site. In summary, the available evidence is currently insufficient to determine the role of this variant in disease. Therefore, it has been classified as a Variant of Uncertain Significance.